The following is an entry in ClinVar:

ClinVar aggregate classification (germline): Uncertain significance. Review status: criteria provided, multiple submitters, no conflicts (2 of 4 stars). 2 submissions from 2 submitters: Uncertain significance (2). Last evaluated 2022-09-29.

Conditions:
Hereditary cancer-predisposing syndrome. Also called: Neoplastic Syndromes, Hereditary; Tumor predisposition; Hereditary Cancer Syndrome; Hereditary neoplastic syndrome. Identifiers: Orphanet 140162, MedGen C0027672, MeSH D009386, MONDO:0015356.

Allele frequency attached by ClinVar (database versions not stated): TOPMed below 0.00001.

Submissions (2):

Labcorp Genetics (formerly Invitae), Labcorp
Classification: Uncertain significance for Hereditary cancer-predisposing syndrome. Last evaluated: 2022-09-29. Review status: criteria provided, single submitter. Criteria: Invitae Variant Classification Sherloc (09022015). Collection method: clinical testing. Allele origin: germline.
Comment: In summary, the available evidence is currently insufficient to determine the role of this variant in disease. Therefore, it has been classified as a Variant of Uncertain Significance. Advanced modeling of protein sequence and biophysical properties (such as structural, functional, and spatial information, amino acid conservation, physicochemical variation, residue mobility, and thermodynamic stability) performed at Invitae indicates that this missense variant is expected to disrupt RAD50 protein function. ClinVar contains an entry for this variant (Variation ID: 457456). This variant has not been reported in the literature in individuals affected with RAD50-related conditions. This variant is not present in population databases (gnomAD no frequency). This sequence change replaces valine, which is neutral and non-polar, with glycine, which is neutral and non-polar, at codon 1186 of the RAD50 protein (p.Val1186Gly).

Ambry Genetics
Classification: Uncertain significance for Hereditary cancer-predisposing syndrome. Last evaluated: 2016-03-23. Review status: criteria provided, single submitter. Criteria: Ambry Variant Classification Scheme 2023. Collection method: clinical testing. Allele origin: germline.
Comment: The p.V1186G variant (also known as c.3557T>G), located in coding exon 23 of the RAD50 gene, results from a T to G substitution at nucleotide position 3557. The valine at codon 1186 is replaced by glycine, an amino acid with dissimilar properties. This variant was not reported in population based cohorts in the following databases: Database of Single Nucleotide Polymorphisms (dbSNP), NHLBI Exome Sequencing Project (ESP), and 1000 Genomes Project. In the ESP, this variant was not observed in 6503 samples (13006 alleles) with coverage at this position. To date, this alteration has been detected with an allele frequency of approximately 0.001% (greater than 120000 alleles tested) in our clinical cohort. This amino acid position is highly conserved in available vertebrate species. In addition, this alteration is predicted to be deleterious by in silico analysis. Since supporting evidence is limited at this time, the clinical significance of this alteration remains unclear.

NM_005732.4(RAD50):c.3557T>G (p.Val1186Gly)

Genes: TH2LCRR (T helper type 2 locus control region associated RNA; minus strand), RAD50 (RAD50 double strand break repair protein; plus strand), TH2-LCR (Th2 cytokine locus control region; plus strand). Cytogenetic location: 5q31.1.
Variant type: single nucleotide variant.
Coding change: c.3557T>G on transcript NM_005732.4 (MANE Select); coding-DNA position 3557, T replaced by G.
Protein change: p.Val1186Gly; replaces valine 1186 with glycine.
Molecular consequence: missense variant. On other transcripts: non-coding transcript variant (3).
Genome position (GRCh38, 1-based): chr5:132,638,162, T>G. VCF-style: chr5-132638162-T-G. GRCh37 (hg19) VCF-style: chr5-131973854-T-G.
Other names: short protein forms V1186G.
Identifiers: ClinVar variation 457456 (VCV000457456.13), dbSNP rs1554100952, ClinGen allele CA360932026.
Genomic context (GRCh38, chr5:132,638,162, plus strand): 5'-GGTCTGATGCCGATGAAAATGTATCAGCTTCTGATAAAAGGCGGAATTATAACTACCGAG[T>G]GGTGATGCTGAAGGGAGACACAGCCTTGGATATGCGAGGACGATGCAGTGCTGGACAAAA-3'
Protein context (NP_005723.2, residues 1176-1196): SDKRRNYNYR[Val1186Gly]VMLKGDTALD